The following is an entry in ClinVar:

NM_000216.4(ANOS1):c.1891C>T (p.Arg631Ter)

Gene: ANOS1 (anosmin 1; minus strand). Cytogenetic location: Xp22.31.
Variant type: single nucleotide variant.
Coding change: c.1891C>T on transcript NM_000216.4 (MANE Select); coding-DNA position 1891, C replaced by T.
Protein change: p.Arg631Ter; replaces arginine 631 with a stop codon.
Molecular consequence: nonsense.
Genome position (GRCh38, 1-based): chrX:8,534,412, G>A on the plus strand (C>T on the coding strand, the complement: ANOS1 is on the minus strand). VCF-style: chrX-8534412-G-A. GRCh37 (hg19) VCF-style: chrX-8502453-G-A.
Other names: short protein forms R631*.
Identifiers: ClinVar variation 265206 (VCV000265206.36), dbSNP rs886039395, ClinGen allele CA10588802.
Genomic context (GRCh38, chrX:8,534,412, plus strand): 5'-GGAACGTCTTGATGGTGGCCGGCCCCTCCCCTCCTGGGGTCAGCACTTGCACTTCCAGTC[G>A]GTAAAGAGTAGATGGTCTCAGATTGGGCACTGTTAGGACATAATGATCCTAAGGGGACAA-3'

ClinVar aggregate classification (germline): Pathogenic. Review status: criteria provided, multiple submitters, no conflicts (2 of 4 stars). 6 submissions from 6 submitters: Pathogenic (6). Last evaluated 2024-09-01.

Conditions:
ANOS1-related disorder. Also called: ANOS1-related condition.
Martsolf syndrome 1. Identifiers: Orphanet 1387, MedGen C5542298, MONDO:8000008, OMIM 212720.
Hypogonadotropic hypogonadism 1 with or without anosmia (HH1). Also called: HYPOGONADOTROPIC HYPOGONADISM AND ANOSMIA; HYPOGONADOTROPIC HYPOGONADISM 1 WITH ANOSMIA; Hypogonadotropic hypogonadism 1 with or without anosmia (Kallmann syndrome 1); DYSPLASIA OLFACTOGENITALIS OF DE MORSIER; KAL1-Related GnRH Deficiency (Kallmann Syndrome 1; Kallmann Syndrome, X-Linked); Kallmann syndrome, type 1, X-linked. Identifiers: Orphanet 478, MedGen C1563719, MONDO:0010635, OMIM 308700. Disease mechanism: loss of function.

Submissions (6):

Labcorp Genetics (formerly Invitae), Labcorp
Classification: Pathogenic for Hypogonadotropic hypogonadism 1 with or without anosmia. Last evaluated: 2024-09-01. Review status: criteria provided, single submitter. Criteria: Invitae Variant Classification Sherloc (09022015). Collection method: clinical testing. Allele origin: germline.
Comment: This sequence change creates a premature translational stop signal (p.Arg631*) in the ANOS1 gene. It is expected to result in an absent or disrupted protein product. Loss-of-function variants in ANOS1 are known to be pathogenic (PMID: 8504298, 11297579). This variant is not present in population databases (gnomAD no frequency). This premature translational stop signal has been observed in individual(s) with Kallmann Syndrome (PMID: 11044805). ClinVar contains an entry for this variant (Variation ID: 265206). For these reasons, this variant has been classified as Pathogenic.

Blueprint Genetics
Classification: Pathogenic for ANOS1-related disorders. Last evaluated: 2022-10-21. Review status: criteria provided, single submitter. Criteria: ACMG Guidelines, 2015. Collection method: clinical testing. Allele origin: germline. Affected: yes. Observed: 1 variant allele.

GeneDx
Classification: Pathogenic. Last evaluated: 2022-09-28. Review status: criteria provided, single submitter. Criteria: GeneDx Variant Classification Process June 2021. Collection method: clinical testing. Allele origin: germline. Affected: yes.
Comment: Nonsense variant predicted to result in protein truncation or nonsense mediated decay in a gene for which loss-of-function is a known mechanism of disease; Not observed at significant frequency in large population cohorts (gnomAD); This variant is associated with the following publications: (PMID: 25525159, 11044805, 28780519, 25077900, 15001591, 34198905, 36138264)

Reproductive Endocrine Unit, Massachusetts General Hospital
Classification: Pathogenic for Martsolf syndrome 1. Last evaluated: 2022-04-01. Review status: criteria provided, single submitter. Criteria: ACMG Guidelines, 2015. Collection method: research. Allele origin: unknown. Inheritance: X-linked inheritance. Affected: yes.

Fulgent Genetics
Classification: Pathogenic for Hypogonadotropic hypogonadism 1 with or without anosmia. Last evaluated: 2021-10-31. Review status: criteria provided, single submitter. Criteria: ACMG Guidelines, 2015. Collection method: clinical testing. Allele origin: unknown.

Women's Health and Genetics/Laboratory Corporation of America, LabCorp
Classification: Pathogenic for Hypogonadotropic hypogonadism 1 with or without anosmia. Last evaluated: 2020-09-29. Review status: criteria provided, single submitter. Criteria: LabCorp Variant Classification Summary - May 2015. Collection method: clinical testing. Allele origin: germline.
Comment: Variant summary: KAL1 (also known as ANOS1) c.1891C>T (p.Arg631X) results in a premature termination codon, predicted to cause a truncation of the encoded protein or absence of the protein due to nonsense mediated decay, which are commonly known mechanisms for disease. The variant was absent in 182675 control chromosomes (gnomAD). c.1891C>T has been reported in the literature in individuals affected with Kallmann syndrome (Hypogonadotropic Hypogonadism 1 With or Without Anosmia, examples- Jansen_2000, Sato_2004, Marcos_2014). These data indicate that the variant is likely to be associated with disease. To our knowledge, no experimental evidence demonstrating an impact on protein function has been reported. One ClinVar submitter (evaluation after 2014) cites the variant as pathogenic. Based on the evidence outlined above, the variant was classified as pathogenic.

Literature cited by the submitters: PubMed 8504298 (cited by Labcorp Genetics (formerly Invitae), Labcorp); PubMed 11297579 (cited by Labcorp Genetics (formerly Invitae), Labcorp); PubMed 11044805 (cited by Labcorp Genetics (formerly Invitae), Labcorp and Women's Health and Genetics/Laboratory Corporation of America, LabCorp); PubMed 25077900 (cited by Women's Health and Genetics/Laboratory Corporation of America, LabCorp); PubMed 15001591 (cited by Women's Health and Genetics/Laboratory Corporation of America, LabCorp).